The following is an entry in ClinVar:

NM_000163.5(GHR):c.945+4_945+5del

Gene: GHR (growth hormone receptor; plus strand). Cytogenetic location: 5p12.
Variant type: Deletion.
Coding change: c.945+4_945+5del on transcript NM_000163.5 (MANE Select); bases 4 to 5 of the intron after coding-DNA position 945, 2 bases deleted (AC; older notation c.945+4_945+5delAC).
Molecular consequence: intron variant.
Genome position (GRCh38, 1-based): chr5:42,718,125-42,718,126, AC deleted. VCF-style (leftmost placement, unchanged base first): chr5-42718124-AAC-A. GRCh37 (hg19) VCF-style: chr5-42718226-AAC-A.
Other names: c.945+4_945+5del (NM_001242404.2, NM_001242405.2, NM_001242406.2 and 4 more transcripts); c.876-328_876-327del (NM_001242462.1); c.879+4_879+5del (NM_001242460.2); c.966+4_966+5del (NM_001242399.2).
Identifiers: ClinVar variation 3702008 (VCV003702008.2).
Genomic context (GRCh38, chr5:42,718,124, plus strand): 5'-GATTCTGCCCCCAGTTCCAGTTCCAAAGATTAAAGGAATCGATCCAGATCTCCTCAAGGT[AAC>A]TAATAATTTTATCTAAATTGTAGCTAGTACTAATTAACACCTGAAGACTCCTGTCATATG-3'

ClinVar aggregate classification (germline): Uncertain significance (1 of 4 stars; one submission).

Submission:

Labcorp Genetics (formerly Invitae), Labcorp
Classification: Uncertain significance. Last evaluated: 2024-09-16. Review status: criteria provided, single submitter. Criteria: Invitae Variant Classification Sherloc (09022015). Collection method: clinical testing. Allele origin: germline.
Comment: This sequence change falls in intron 9 of the GHR gene. It does not directly change the encoded amino acid sequence of the GHR protein. It affects a nucleotide within the consensus splice site. This variant is present in population databases (rs750904107, gnomAD 0.006%). This variant has not been reported in the literature in individuals affected with GHR-related conditions. Variants that disrupt the consensus splice site are a relatively common cause of aberrant splicing (PMID: 17576681, 9536098). Algorithms developed to predict the effect of sequence changes on RNA splicing suggest that this variant is not likely to affect RNA splicing. In summary, the available evidence is currently insufficient to determine the role of this variant in disease. Therefore, it has been classified as a Variant of Uncertain Significance.

Literature cited by the submitters: PubMed 17576681; PubMed 9536098.